The following is an entry in ClinVar:

NM_138395.4(MARS2):c.234C>G (p.Leu78=)

Gene: MARS2 (methionyl-tRNA synthetase 2, mitochondrial; plus strand). Cytogenetic location: 2q33.1.
Variant type: single nucleotide variant.
Coding change: c.234C>G on transcript NM_138395.4 (MANE Select); coding-DNA position 234, C replaced by G.
Protein change: p.Leu78=; no amino-acid change (leucine 78 retained).
Molecular consequence: synonymous variant.
Genome position (GRCh38, 1-based): chr2:197,705,639, C>G. VCF-style: chr2-197705639-C-G. GRCh37 (hg19) VCF-style: chr2-198570363-C-G.
Identifiers: ClinVar variation 3726331 (VCV003726331.2).

ClinVar aggregate classification (germline): Uncertain significance (1 of 4 stars; one submission).

Submission:

Labcorp Genetics (formerly Invitae), Labcorp
Classification: Uncertain significance. Last evaluated: 2024-11-28. Review status: criteria provided, single submitter. Criteria: Invitae Variant Classification Sherloc (09022015). Collection method: clinical testing. Allele origin: germline.
Comment: This sequence change affects codon 78 of the MARS2 mRNA. It is a 'silent' change, meaning that it does not change the encoded amino acid sequence of the MARS2 protein. This variant is not present in population databases (gnomAD no frequency). This variant has not been reported in the literature in individuals affected with MARS2-related conditions. In summary, the available evidence is currently insufficient to determine the role of this variant in disease. Therefore, it has been classified as a Variant of Uncertain Significance.